The following is an entry in ClinVar:

NM_004329.3(BMPR1A):c.562C>A (p.Arg188Ser)

Gene: BMPR1A (bone morphogenetic protein receptor type 1A; plus strand). Cytogenetic location: 10q23.2.
Variant type: single nucleotide variant.
Coding change: c.562C>A on transcript NM_004329.3 (MANE Select); coding-DNA position 562, C replaced by A.
Protein change: p.Arg188Ser; replaces arginine 188 with serine.
Molecular consequence: missense variant. On other transcripts: non-coding transcript variant (3), intron variant (1).
Genome position (GRCh38, 1-based): chr10:86,912,271, C>A. VCF-style: chr10-86912271-C-A. GRCh37 (hg19) VCF-style: chr10-88672028-C-A.
Other names: c.562C>A, p.Arg188Ser (NM_001406572.1, NM_001406573.1, NM_001406574.1 and 20 more transcripts); c.334-4863C>A (NM_001406589.1); c.637C>A, p.Arg213Ser (NM_001406559.1); c.610C>A, p.Arg204Ser (NM_001406560.1); c.478C>A, p.Arg160Ser (NM_001406584.1, NM_001406585.1, NM_001406586.1 and 2 more transcripts); short protein forms R160S, R188S, R204S, R213S.
Identifiers: ClinVar variation 3223957 (VCV003223957.3), dbSNP rs879254272, ClinGen allele CA377454373.

ClinVar aggregate classification (germline): Uncertain significance. Review status: criteria provided, multiple submitters, no conflicts (2 of 4 stars). 2 submissions from 2 submitters: Uncertain significance (2). Last evaluated 2024-02-20.

Conditions:
Hereditary cancer-predisposing syndrome. Also called: Hereditary Cancer Syndrome; Tumor predisposition; Neoplastic Syndromes, Hereditary; Hereditary neoplastic syndrome. Identifiers: Orphanet 140162, MedGen C0027672, MeSH D009386, MONDO:0015356.
Juvenile polyposis syndrome (JPS). Identifiers: Orphanet 2929, MedGen C0345893, MONDO:0017380, OMIM 174900.

Submissions (2):

Labcorp Genetics (formerly Invitae), Labcorp
Classification: Uncertain significance for Juvenile polyposis syndrome. Last evaluated: 2024-02-20. Review status: criteria provided, single submitter. Criteria: Invitae Variant Classification Sherloc (09022015). Collection method: clinical testing. Allele origin: germline.
Comment: This sequence change replaces arginine, which is basic and polar, with serine, which is neutral and polar, at codon 188 of the BMPR1A protein (p.Arg188Ser). This variant is not present in population databases (gnomAD no frequency). This variant has not been reported in the literature in individuals affected with BMPR1A-related conditions. Advanced modeling of protein sequence and biophysical properties (such as structural, functional, and spatial information, amino acid conservation, physicochemical variation, residue mobility, and thermodynamic stability) performed at Invitae indicates that this missense variant is not expected to disrupt BMPR1A protein function with a negative predictive value of 80%. In summary, the available evidence is currently insufficient to determine the role of this variant in disease. Therefore, it has been classified as a Variant of Uncertain Significance.

Ambry Genetics
Classification: Uncertain significance for Hereditary cancer-predisposing syndrome. Last evaluated: 2023-12-04. Review status: criteria provided, single submitter. Criteria: Ambry Variant Classification Scheme 2023. Collection method: clinical testing. Allele origin: germline.
Comment: The p.R188S variant (also known as c.562C>A), located in coding exon 6 of the BMPR1A gene, results from a C to A substitution at nucleotide position 562. The arginine at codon 188 is replaced by serine, an amino acid with dissimilar properties. This amino acid position is conserved. In addition, this alteration is predicted to be tolerated by in silico analysis. Since supporting evidence is limited at this time, the clinical significance of this alteration remains unclear.